The following is an entry in ClinVar:

ClinVar aggregate classification (germline): Likely benign. Review status: criteria provided, single submitter (1 of 4 stars). 2 submissions from 2 submitters: Likely benign (1). 1 of the submissions does not count toward it.

Conditions:
GAA-related disorder. Also called: GAA-related condition.

Allele frequency attached by ClinVar (database versions not stated): ExAC 0.00001; ESP Exome Variant Server 0.00008.
gnomAD v4.1: 25 of 1,558,524 alleles (0.0016%); highest among the groups gnomAD compares: African/African-American, 0.0054%; no homozygotes.

Submissions (2):

Breakthrough Genomics
Classification: Likely benign. Review status: criteria provided, single submitter. Criteria: ACMG Guidelines, 2015. Collection method: not provided. Allele origin: germline. Inheritance: Autosomal recessive inheritance. Affected: yes.

PreventionGenetics, part of Exact Sciences
Classification: Likely benign for GAA-related condition. Last evaluated: 2020-01-22. Review status: no assertion criteria provided. Collection method: clinical testing. Allele origin: germline. Not counted in ClinVar's aggregate classification.
Comment: This variant is classified as likely benign based on ACMG/AMP sequence variant interpretation guidelines (Richards et al. 2015 PMID: 25741868, with internal and published modifications).

NM_000152.5(GAA):c.-32-17G>A

Gene: GAA (alpha glucosidase; plus strand). Cytogenetic location: 17q25.3.
Variant type: single nucleotide variant.
Coding change: c.-32-17G>A on transcript NM_000152.5 (MANE Select); 17 bases into the intron before 32 bases upstream of the start codon, G replaced by A.
Molecular consequence: intron variant.
Genome position (GRCh38, 1-based): chr17:80,104,538, G>A. VCF-style: chr17-80104538-G-A. GRCh37 (hg19) VCF-style: chr17-78078337-G-A.
Other names: c.-32-17G>A (NM_001406741.1, NM_001406742.1, NM_001079803.3 and 1 more transcripts).
Identifiers: ClinVar variation 3051987 (VCV003051987.3), dbSNP rs368933241, ClinGen allele CA8814742.